The following is an entry in ClinVar:

NM_001018115.3(FANCD2):c.350G>C (p.Cys117Ser)

Genes: FANCD2 (FA complementation group D2; plus strand), LOC107303338 (3p25 FANCD2 Alu-mediated recombination region; plus strand). Cytogenetic location: 3p25.3.
Variant type: single nucleotide variant.
Coding change: c.350G>C on transcript NM_001018115.3 (MANE Select); coding-DNA position 350, G replaced by C.
Protein change: p.Cys117Ser; replaces cysteine 117 with serine.
Molecular consequence: missense variant.
Genome position (GRCh38, 1-based): chr3:10,034,771, G>C. VCF-style: chr3-10034771-G-C. GRCh37 (hg19) VCF-style: chr3-10076455-G-C.
Other names: c.350G>C, p.Cys117Ser (NM_001319984.2, NM_001374253.1, NM_001374254.1 and 2 more transcripts); short protein forms C117S.
Identifiers: ClinVar variation 2199533 (VCV002199533.1), dbSNP rs1005885079, ClinGen allele CA351720831.
Genomic context (GRCh38, chr3:10,034,771, plus strand): 5'-TTAGTGGCCTGGAGTCTTACATTGAGGATGAAGACAGTTTCAGGAACTGCCTTTTGTCTT[G>C]TGAGCGTCTGCAGGATGAGGAAGCCAGGTGTGGAGAGGAGGCATGGAATCTTGCTGAAAT-3'
Protein context (NP_001018125.1, residues 107-127): EDSFRNCLLS[Cys117Ser]ERLQDEEASM

ClinVar aggregate classification (germline): Uncertain significance (1 of 4 stars; one submission).

Conditions:
Fanconi anemia (FA). Also called: Fanconi's anemia. Identifiers: Orphanet 84, MedGen C0015625, MeSH D005199, MONDO:0019391.

Submission:

Labcorp Genetics (formerly Invitae), Labcorp
Classification: Uncertain significance for Fanconi anemia. Last evaluated: 2022-02-20. Review status: criteria provided, single submitter. Criteria: Invitae Variant Classification Sherloc (09022015). Collection method: clinical testing. Allele origin: germline.
Comment: This sequence change replaces cysteine, which is neutral and slightly polar, with serine, which is neutral and polar, at codon 117 of the FANCD2 protein (p.Cys117Ser). This variant is not present in population databases (gnomAD no frequency). This variant has not been reported in the literature in individuals affected with FANCD2-related conditions. Algorithms developed to predict the effect of missense changes on protein structure and function are either unavailable or do not agree on the potential impact of this missense change (SIFT: "Tolerated"; PolyPhen-2: "Probably Damaging"; Align-GVGD: "Class C0"). Algorithms developed to predict the effect of sequence changes on RNA splicing suggest that this variant may disrupt the consensus splice site. In summary, the available evidence is currently insufficient to determine the role of this variant in disease. Therefore, it has been classified as a Variant of Uncertain Significance.